The following is an entry in ClinVar:

NM_183381.3(RNF13):c.343G>A (p.Gly115Arg)

Gene: RNF13 (ring finger protein 13; plus strand). Cytogenetic location: 3q25.1.
Variant type: single nucleotide variant.
Coding change: c.343G>A on transcript NM_183381.3 (MANE Select); coding-DNA position 343, G replaced by A.
Protein change: p.Gly115Arg; replaces glycine 115 with arginine.
Molecular consequence: missense variant. On other transcripts: 5 prime UTR variant (6), non-coding transcript variant (1).
Genome position (GRCh38, 1-based): chr3:149,895,494, G>A. VCF-style: chr3-149895494-G-A. GRCh37 (hg19) VCF-style: chr3-149613281-G-A.
Other names: c.343G>A, p.Gly115Arg (NM_001378285.1, NM_001378286.1, NM_007282.4); c.-25G>A (NM_001378287.1, NM_001378288.1, NM_001378289.1 and 2 more transcripts); c.-51G>A (NM_001378291.1); short protein forms G115R.
Identifiers: ClinVar variation 1713976 (VCV001713976.5), dbSNP rs2473400598, ClinGen allele CA355010800.

ClinVar aggregate classification (germline): Uncertain significance (1 of 4 stars; one submission).

Submission:

Labcorp Genetics (formerly Invitae), Labcorp
Classification: Uncertain significance. Last evaluated: 2022-07-27. Review status: criteria provided, single submitter. Criteria: Invitae Variant Classification Sherloc (09022015). Collection method: clinical testing. Allele origin: germline.
Comment: This sequence change replaces glycine, which is neutral and non-polar, with arginine, which is basic and polar, at codon 115 of the RNF13 protein (p.Gly115Arg). This variant is not present in population databases (gnomAD no frequency). This variant has not been reported in the literature in individuals affected with RNF13-related conditions. Algorithms developed to predict the effect of missense changes on protein structure and function are either unavailable or do not agree on the potential impact of this missense change (SIFT: "Tolerated"; PolyPhen-2: "Probably Damaging"; Align-GVGD: "Class C0"). In summary, the available evidence is currently insufficient to determine the role of this variant in disease. Therefore, it has been classified as a Variant of Uncertain Significance.